The following is an entry in ClinVar:

ClinVar aggregate classification (germline): Likely benign. Review status: criteria provided, multiple submitters, no conflicts (2 of 4 stars). 3 submissions from 3 submitters: Likely benign (2). 1 of the submissions does not count toward it. Last evaluated 2024-11-23.

Conditions:
SRP72-related disorder. Also called: SRP72-related condition.

Allele frequency attached by ClinVar (database versions not stated): ExAC 0.00001; gnomAD exomes 0.00001; TOPMed 0.00001.
gnomAD v4.1: 13 of 1,613,708 alleles (0.00081%); highest among the groups gnomAD compares: South Asian, 0.0022%; no homozygotes.

Submissions (3):

Ambry Genetics
Classification: Likely benign. Last evaluated: 2024-11-23. Review status: criteria provided, single submitter. Criteria: Ambry Variant Classification Scheme 2023. Collection method: clinical testing. Allele origin: germline.

Blueprint Genetics
Classification: Likely benign. Last evaluated: 2023-10-10. Review status: criteria provided, single submitter. Criteria: ACMG Guidelines, 2015. Collection method: clinical testing. Allele origin: germline.

PreventionGenetics, part of Exact Sciences
Classification: Likely benign for SRP72-related condition. Last evaluated: 2023-12-01. Review status: no assertion criteria provided. Collection method: clinical testing. Allele origin: germline. Not counted in ClinVar's aggregate classification.
Comment: This variant is classified as likely benign based on ACMG/AMP sequence variant interpretation guidelines (Richards et al. 2015 PMID: 25741868, with internal and published modifications).

NM_006947.4(SRP72):c.1515C>T (p.His505=)

Gene: SRP72 (signal recognition particle 72; plus strand). Cytogenetic location: 4q12.
Variant type: single nucleotide variant.
Coding change: c.1515C>T on transcript NM_006947.4 (MANE Select); coding-DNA position 1515, C replaced by T.
Protein change: p.His505=; no amino-acid change (histidine 505 retained).
Molecular consequence: synonymous variant. On other transcripts: non-coding transcript variant (1).
Genome position (GRCh38, 1-based): chr4:56,491,443, C>T. VCF-style: chr4-56491443-C-T. GRCh37 (hg19) VCF-style: chr4-57357609-C-T.
Other names: c.1332C>T, p.His444= (NM_001267722.2).
Identifiers: ClinVar variation 3032419 (VCV003032419.4), dbSNP rs746949663, ClinGen allele CA2931396.
Genomic context (GRCh38, chr4:56,491,443, plus strand): 5'-TGTGTGTGTTTGTGTATATTATGTTCCTGAACTCCTGTTCTATCACAGTCTTAGTAAACA[C>T]TTGCCATCGTCAGATAGTATGTCTCTAAAAGTAGATGTTGAGGCTCTTGAAAATTCTGCT-3'
Protein context (NP_008878.3, residues 495-515): DPEKAKALSK[His505=]LPSSDSMSLK